The following is an entry in ClinVar:

ClinVar aggregate classification (germline): Uncertain significance (1 of 4 stars; one submission).

Allele frequency attached by ClinVar (database versions not stated): gnomAD exomes below 0.00001; ExAC 0.00001.
gnomAD v4.1: 1 of 1,612,980 alleles (0.000062%); highest among the groups gnomAD compares: Non-Finnish European, 0.000085%; no homozygotes.

Submission:

Labcorp Genetics (formerly Invitae), Labcorp
Classification: Uncertain significance. Last evaluated: 2023-03-16. Review status: criteria provided, single submitter. Criteria: Invitae Variant Classification Sherloc (09022015). Collection method: clinical testing. Allele origin: germline.
Comment: An algorithm developed to predict the effect of missense changes on protein structure and function (PolyPhen-2) suggests that this variant is likely to be disruptive. In summary, the available evidence is currently insufficient to determine the role of this variant in disease. Therefore, it has been classified as a Variant of Uncertain Significance. ClinVar contains an entry for this variant (Variation ID: 1932534). This variant has not been reported in the literature in individuals affected with KIDINS220-related conditions. This variant is present in population databases (rs745403251, gnomAD 0.0009%). This sequence change replaces lysine, which is basic and polar, with arginine, which is basic and polar, at codon 477 of the KIDINS220 protein (p.Lys477Arg).

NM_020738.4(KIDINS220):c.1430A>G (p.Lys477Arg)

Gene: KIDINS220 (kinase D interacting substrate 220; minus strand). Cytogenetic location: 2p25.1.
Variant type: single nucleotide variant.
Coding change: c.1430A>G on transcript NM_020738.4 (MANE Select); coding-DNA position 1430, A replaced by G.
Protein change: p.Lys477Arg; replaces lysine 477 with arginine.
Molecular consequence: missense variant. On other transcripts: non-coding transcript variant (2).
Genome position (GRCh38, 1-based): chr2:8,791,071, T>C on the plus strand (A>G on the coding strand, the complement: KIDINS220 is on the minus strand). VCF-style: chr2-8791071-T-C. GRCh37 (hg19) VCF-style: chr2-8931201-T-C.
Other names: c.1433A>G, p.Lys478Arg (NM_001348729.2, NM_001348731.2, NM_001348734.2 and 3 more transcripts); c.1430A>G, p.Lys477Arg (NM_001348732.2, NM_001348735.2, NM_001348738.2 and 3 more transcripts); c.1304A>G, p.Lys435Arg (NM_001348736.2); short protein forms K478R, K477R, K435R.
Identifiers: ClinVar variation 1932534 (VCV001932534.5), dbSNP rs745403251, ClinGen allele CA1520200.